The following is an entry in ClinVar:

ClinVar aggregate classification (germline): Uncertain significance (1 of 4 stars; one submission).

Submission:

GeneDx
Classification: Uncertain significance. Last evaluated: 2020-07-09. Review status: criteria provided, single submitter. Criteria: GeneDx Variant Classification Process June 2021. Collection method: clinical testing. Allele origin: germline. Affected: yes.
Comment: Not observed in large population cohorts (Lek et al., 2016); In silico analysis supports that this missense variant has a deleterious effect on protein structure/function; Has not been previously published as pathogenic or benign to our knowledge

NM_001005273.3(CHD3):c.3312G>C (p.Glu1104Asp)

Gene: CHD3 (chromodomain helicase DNA binding protein 3; plus strand). Cytogenetic location: 17p13.1.
Variant type: single nucleotide variant.
Coding change: c.3312G>C on transcript NM_001005273.3 (MANE Select); coding-DNA position 3312, G replaced by C.
Protein change: p.Glu1104Asp; replaces glutamic acid 1104 with aspartic acid.
Molecular consequence: missense variant.
Genome position (GRCh38, 1-based): chr17:7,902,669, G>C. VCF-style: chr17-7902669-G-C. GRCh37 (hg19) VCF-style: chr17-7805987-G-C.
Other names: c.3489G>C, p.Glu1163Asp (NM_001005271.3); c.3312G>C, p.Glu1104Asp (NM_005852.4); short protein forms E1104D, E1163D.
Identifiers: ClinVar variation 1313006 (VCV001313006.2), dbSNP rs2151596943, ClinGen allele CA397941594.